The following is an entry in ClinVar:

NC_012920.1(MT-ATP6):m.8756T>C

Gene: MT-ATP6 (mitochondrially encoded ATP synthase 6; plus strand).
Variant type: single nucleotide variant.
Genome position: chrM-8756-T-C.
Identifiers: ClinVar variation 692975 (VCV000692975.1), dbSNP rs1556423532, ClinGen allele CA414797880.

ClinVar aggregate classification (germline): Benign (1 of 4 stars; one submission).

Conditions:
Leigh syndrome (NULS). Also called: Leigh's necrotizing encephalopathy; Leigh's disease; Leigh Syndrome (mtDNA deletion); Leigh Disease; Subacute necrotizing encephalopathy; Necrotizing encephalopathy infantile subacute of Leigh. Identifiers: Orphanet 506, MedGen C2931891, MONDO:0009723, OMIM 256000.

Submission:

Wong Mito Lab, Molecular and Human Genetics, Baylor College of Medicine
Classification: Benign for Leigh syndrome. Last evaluated: 2019-10-17. Review status: criteria provided, single submitter. Criteria: Modified ACMG Guidelines (Unpublished). Collection method: clinical testing. Allele origin: germline.
Comment: The NC_012920.1:m.8756T>C (YP_003024031.1:p.Ile77Thr) variant in MTATP6 gene is interpretated to be a Benign variant based on the modified ACMG guidelines (unpublished). This variant meets the following evidence codes: BS1, BS2